The following is an entry in ClinVar:

NM_016023.5(OTUD6B):c.379_383del (p.Leu127fs)

Gene: OTUD6B (OTU deubiquitinase 6B; plus strand). Cytogenetic location: 8q21.3.
Variant type: Deletion.
Coding change: c.379_383del on transcript NM_016023.5 (MANE Select); coding-DNA positions 379 to 383, 5 bases deleted (TTAAC; older notation c.379_383delTTAAC).
Protein change: p.Leu127fs; shifts the reading frame from leucine 127.
Molecular consequence: frameshift variant.
Genome position (GRCh38, 1-based): chr8:91,078,419-91,078,423, TTAAC deleted; deleting any 5 consecutive bases within chr8:91,078,416-91,078,423 gives the same sequence; the c. name uses the placement nearest the transcript's 3' end. VCF-style (leftmost placement, unchanged base first): chr8-91078415-AAACTT-A. GRCh37 (hg19) VCF-style: chr8-92090643-AAACTT-A.
Other names: c.76_80del, p.Leu26fs (NM_001286745.3); short protein forms L127fs, L26fs.
Identifiers: ClinVar variation 375702 (VCV000375702.2), dbSNP rs759317757, ClinGen allele CA4804766.

ClinVar aggregate classification (germline): Pathogenic. Review status: criteria provided, single submitter (1 of 4 stars). 3 submissions from 3 submitters: Pathogenic (1). 2 of the submissions do not count toward it. Last evaluated 2017-01-09.

Conditions:
Intellectual developmental disorder with dysmorphic facies, seizures, and distal limb anomalies (IDDFSDA). Identifiers: Orphanet 505237, MedGen C4479520, MONDO:0044319, OMIM 617452.
Dysmorphic features. Identifiers: MedGen C0432072.
Intellectual disability. Also called: intellectual disabilities; Intellectual functioning disability; Intellectual developmental disorder. Identifiers: MedGen C3714756, MeSH D008607, MONDO:0001071, HP:0001249.
Epilepsy. Also called: Seizure disorder. Identifiers: MedGen C0014544, MeSH D004827, MONDO:0005027.

Submissions (3):

Baylor Genetics
Classification: Pathogenic for Intellectual disability; Epilepsy; Dysmorphic features. Last evaluated: 2017-01-09. Review status: criteria provided, single submitter. Criteria: ACMG Guidelines, 2015. Collection method: research. Allele origin: germline. Inheritance: Autosomal recessive inheritance. Affected: yes. Observed: 2 variant alleles, 2 homozygotes. Clinical features observed: Intellectual disability, Absent speech, Seizure, Fetal growth restriction, Microcephaly, Generalized hypotonia, Failure to thrive, Cryptorchidism, Macrotia.
Comment: This variant was observed in one family: 2 affected sibs were homozygous.

OMIM
Classification: Pathogenic for INTELLECTUAL DEVELOPMENTAL DISORDER WITH DYSMORPHIC FACIES, SEIZURES, AND DISTAL LIMB ANOMALIES. Last evaluated: 2017-05-03. Review status: no assertion criteria provided. Collection method: literature only. Allele origin: germline. Not counted in ClinVar's aggregate classification.

Laboratory of Molecular Genetics (Pr. Bezieau's lab), CHU de Nantes
Classification: Pathogenic. Last evaluated: 2017-04-01. Review status: no assertion criteria provided. Collection method: clinical testing. Allele origin: germline. Affected: yes. Not counted in ClinVar's aggregate classification.

Literature cited by the submitters: PubMed 28343629 (cited by OMIM).